The following is an entry in ClinVar:

ClinVar aggregate classification (germline): Uncertain significance. Review status: criteria provided, multiple submitters, no conflicts (2 of 4 stars). 2 submissions from 2 submitters: Uncertain significance (2). Last evaluated 2024-03-06.

Conditions:
Arrhythmogenic cardiomyopathy with wooly hair and keratoderma. Also called: Dilated cardiomyopathy with woolly hair and keratoderma; PALMOPLANTAR KERATODERMA WITH LEFT VENTRICULAR CARDIOMYOPATHY AND WOOLLY HAIR; Carvajal syndrome; Arrhythmogenic cardiomyopathy with woolly hair and keratoderma. Identifiers: Orphanet 65282, MedGen C1854063, MONDO:0011581, OMIM 605676.
Arrhythmogenic right ventricular dysplasia 8 (ARVD8). Also called: Arrhythmogenic Right Ventricular Dysplasia/Cardiomyopathy 8; ARRHYTHMOGENIC RIGHT VENTRICULAR DYSPLASIA, FAMILIAL, 8; ARRHYTHMOGENIC RIGHT VENTRICULAR CARDIOMYOPATHY 8. Identifiers: MedGen C1843896, MONDO:0011831, OMIM 607450.
Cardiomyopathy (CMYO). Also called: Cardiomyopathies. Identifiers: Orphanet 167848, MedGen C0878544, MONDO:0004994, HP:0001638. Inheritance: Various modes of inheritance.

Submissions (2):

Color Diagnostics, LLC DBA Color Health
Classification: Uncertain significance for Cardiomyopathy. Last evaluated: 2024-03-06. Review status: criteria provided, single submitter. Criteria: ACMG Guidelines, 2015. Collection method: clinical testing. Allele origin: germline.
Comment: This missense variant replaces glycine with arginine at codon 96 of the DSP protein. Computational prediction suggests that this variant may not impact protein structure and function (internally defined REVEL score threshold <= 0.5, PMID: 27666373). To our knowledge, functional studies have not been reported for this variant. This variant has not been reported in individuals affected with cardiovascular disorders in the literature. This variant has not been identified in the general population by the Genome Aggregation Database (gnomAD). The available evidence is insufficient to determine the role of this variant in disease conclusively. Therefore, this variant is classified as a Variant of Uncertain Significance.

Labcorp Genetics (formerly Invitae), Labcorp
Classification: Uncertain significance for Arrhythmogenic cardiomyopathy with wooly hair and keratoderma; Arrhythmogenic right ventricular dysplasia 8. Last evaluated: 2022-03-02. Review status: criteria provided, single submitter. Criteria: Invitae Variant Classification Sherloc (09022015). Collection method: clinical testing. Allele origin: germline.
Comment: This variant is not present in population databases (gnomAD no frequency). This variant has not been reported in the literature in individuals affected with DSP-related conditions. ClinVar contains an entry for this variant (Variation ID: 1171924). Algorithms developed to predict the effect of missense changes on protein structure and function are either unavailable or do not agree on the potential impact of this missense change (SIFT: "Deleterious"; PolyPhen-2: "Possibly Damaging"; Align-GVGD: "Class C0"). In summary, the available evidence is currently insufficient to determine the role of this variant in disease. Therefore, it has been classified as a Variant of Uncertain Significance. This sequence change replaces glycine, which is neutral and non-polar, with arginine, which is basic and polar, at codon 96 of the DSP protein (p.Gly96Arg).

NM_004415.4(DSP):c.286G>A (p.Gly96Arg)

Gene: DSP (desmoplakin; plus strand). Cytogenetic location: 6p24.3.
Variant type: single nucleotide variant.
Coding change: c.286G>A on transcript NM_004415.4 (MANE Select); coding-DNA position 286, G replaced by A.
Protein change: p.Gly96Arg; replaces glycine 96 with arginine.
Molecular consequence: missense variant.
Genome position (GRCh38, 1-based): chr6:7,558,128, G>A. VCF-style: chr6-7558128-G-A. GRCh37 (hg19) VCF-style: chr6-7558361-G-A.
Other names: c.286G>A, p.Gly96Arg (NM_001008844.3, NM_001319034.2); short protein forms G96R.
Identifiers: ClinVar variation 1171924 (VCV001171924.8), dbSNP rs2113657461, ClinGen allele CA362671125.